The following is an entry in ClinVar:

ClinVar aggregate classification (germline): Likely pathogenic (1 of 4 stars; one submission).

Conditions:
Idiopathic generalized epilepsy. Also called: Generalised epilepsy; EIG. Identifiers: MedGen C0270850, MONDO:0005579, OMIM 600669.
Epilepsy, idiopathic generalized, susceptibility to, 13. Also called: EPILEPSY, JUVENILE MYOCLONIC, SUSCEPTIBILITY TO, 5. Identifiers: Orphanet 307, Orphanet 64280, MedGen C4013473, MONDO:0012627, OMIM 611136.
Epilepsy, childhood absence 4 (ECA4). Also called: EPILEPSY, CHILDHOOD ABSENCE, SUSCEPTIBILITY TO, 4. Identifiers: Orphanet 307, MedGen C1970160.

Submission:

Labcorp Genetics (formerly Invitae), Labcorp
Classification: Likely pathogenic for Epilepsy, childhood absence 4; Epilepsy, idiopathic generalized, susceptibility to, 13; Idiopathic generalized epilepsy. Last evaluated: 2022-02-04. Review status: criteria provided, single submitter. Criteria: Invitae Variant Classification Sherloc (09022015). Collection method: clinical testing. Allele origin: germline.
Comment: In summary, the currently available evidence indicates that the variant is pathogenic, but additional data are needed to prove that conclusively. Therefore, this variant has been classified as Likely Pathogenic. This sequence change replaces phenylalanine, which is neutral and non-polar, with leucine, which is neutral and non-polar, at codon 42 of the GABRA1 protein (p.Phe42Leu). This variant is not present in population databases (gnomAD no frequency). This missense change has been observed in individual(s) with clinical features of GABRA1-related conditions (Invitae). In at least one individual the variant was observed to be de novo. ClinVar contains an entry for this variant (Variation ID: 1066045). Algorithms developed to predict the effect of missense changes on protein structure and function are either unavailable or do not agree on the potential impact of this missense change (SIFT: "Tolerated"; PolyPhen-2: "Probably Damaging"; Align-GVGD: "Class C0").

NM_001127644.2(GABRA1):c.124T>C (p.Phe42Leu)

Gene: GABRA1 (gamma-aminobutyric acid type A receptor subunit alpha1; plus strand). Cytogenetic location: 5q34.
Variant type: single nucleotide variant.
Coding change: c.124T>C on transcript NM_001127644.2 (MANE Select); coding-DNA position 124, T replaced by C.
Protein change: p.Phe42Leu; replaces phenylalanine 42 with leucine.
Molecular consequence: missense variant.
Genome position (GRCh38, 1-based): chr5:161,854,207, T>C. VCF-style: chr5-161854207-T-C. GRCh37 (hg19) VCF-style: chr5-161281213-T-C.
Other names: c.124T>C, p.Phe42Leu (NM_000806.5, NM_001127643.2, NM_001127645.2 and 1 more transcripts); short protein forms F42L.
Identifiers: ClinVar variation 1066045 (VCV001066045.9), dbSNP rs2113307162, ClinGen allele CA362181549.